The following is an entry in ClinVar:

ClinVar aggregate classification (germline): Uncertain significance. Review status: criteria provided, multiple submitters, no conflicts (2 of 4 stars). 2 submissions from 2 submitters: Uncertain significance (2). Last evaluated 2024-01-08.

Conditions:
Dystonic disorder. Also called: Dystonia. Identifiers: MedGen C0013421, MONDO:0003441, HP:0001332.

Submissions (2):

GeneDx
Classification: Uncertain significance. Last evaluated: 2024-01-08. Review status: criteria provided, single submitter. Criteria: GeneDx Variant Classification Process June 2021. Collection method: clinical testing. Allele origin: germline. Affected: yes.
Comment: Not observed at significant frequency in large population cohorts (gnomAD); In silico analysis supports that this missense variant does not alter protein structure/function; Has not been previously published as pathogenic or benign to our knowledge

Labcorp Genetics (formerly Invitae), Labcorp
Classification: Uncertain significance for Dystonic disorder. Last evaluated: 2018-11-02. Review status: criteria provided, single submitter. Criteria: Invitae Variant Classification Sherloc (09022015). Collection method: clinical testing. Allele origin: germline.
Comment: In summary, the available evidence is currently insufficient to determine the role of this variant in disease. Therefore, it has been classified as a Variant of Uncertain Significance. Algorithms developed to predict the effect of missense changes on protein structure and function output the following: SIFT: "Tolerated"; PolyPhen-2: "Benign"; Align-GVGD: "Class C0". The threonine amino acid residue is found in multiple mammalian species, suggesting that this missense change does not adversely affect protein function. These predictions have not been confirmed by published functional studies and their clinical significance is uncertain. This variant has not been reported in the literature in individuals with ANO3-related disease. This variant is not present in population databases (ExAC no frequency). This sequence change replaces serine with threonine at codon 335 of the ANO3 protein (p.Ser335Thr). The serine residue is weakly conserved and there is a small physicochemical difference between serine and threonine.

NM_031418.4(ANO3):c.1003T>A (p.Ser335Thr)

Gene: ANO3 (anoctamin 3; plus strand). Cytogenetic location: 11p14.2.
Variant type: single nucleotide variant.
Coding change: c.1003T>A on transcript NM_031418.4 (MANE Select); coding-DNA position 1003, T replaced by A.
Protein change: p.Ser335Thr; replaces serine 335 with threonine.
Molecular consequence: missense variant.
Genome position (GRCh38, 1-based): chr11:26,537,432, T>A. VCF-style: chr11-26537432-T-A. GRCh37 (hg19) VCF-style: chr11-26558979-T-A.
Other names: c.1186T>A, p.Ser396Thr (NM_001313726.2); c.565T>A, p.Ser189Thr (NM_001313727.2); short protein forms S189T, S396T, S335T.
Identifiers: ClinVar variation 639297 (VCV000639297.9), dbSNP rs1025522523, ClinGen allele CA219439439.
Genomic context (GRCh38, chr11:26,537,432, plus strand): 5'-TAACTCAATAACTGTCCTTTTCTTCTCTTTGCAGGTATCCGTAAACTTATAAACAATGGC[T>A]CATACATAGCAGCGTTTCCACCACATGAGGTAATTTTGAAATACAGTTTCCGCTTTATAA-3'
Protein context (NP_113606.2, residues 325-345): VGIRKLINNG[Ser335Thr]YIAAFPPHEG